The following is an entry in ClinVar:

ClinVar aggregate classification (germline): Benign. Review status: criteria provided, multiple submitters, no conflicts (2 of 4 stars). 8 submissions from 4 submitters: Benign (8). Last evaluated 2021-12-05.

Conditions:
Developmental and epileptic encephalopathy 98. Identifiers: MedGen C5562017, MONDO:0030472, OMIM 619605.
Fetal akinesia, respiratory insufficiency, microcephaly, polymicrogyria, and dysmorphic facies. Identifiers: MedGen C5562015, MONDO:0859204, OMIM 619602.
Alternating hemiplegia of childhood 1 (AHC1). Identifiers: Orphanet 2131, MedGen C3549447, MONDO:0007087, OMIM 104290.
Migraine, familial hemiplegic, 2. Identifiers: Orphanet 569, MedGen C1865322, MONDO:0011232, OMIM 602481.

Allele frequency attached by ClinVar (database versions not stated): 1000 Genomes Project 0.21246; 1000 Genomes Project 30x 0.21377; TOPMed 0.21595; gnomAD 0.21697 and 0.21701; gnomAD exomes 0.27500.
gnomAD v4.1: 33,027 of 151,994 alleles (22%); highest among the groups gnomAD compares: South Asian, 28%; 3,678 homozygotes.

Submissions (8):

Genome-Nilou Lab
Classification: Benign for Alternating hemiplegia of childhood 1. Last evaluated: 2021-12-05. Review status: criteria provided, single submitter. Criteria: ACMG Guidelines, 2015. Collection method: clinical testing. Allele origin: germline. Affected: no.

Genome-Nilou Lab
Classification: Benign for Developmental and epileptic encephalopathy 98. Last evaluated: 2021-12-05. Review status: criteria provided, single submitter. Criteria: ACMG Guidelines, 2015. Collection method: clinical testing. Allele origin: germline. Affected: no.

Genome-Nilou Lab
Classification: Benign for Fetal akinesia, respiratory insufficiency, microcephaly, polymicrogyria, and dysmorphic facies. Last evaluated: 2021-12-05. Review status: criteria provided, single submitter. Criteria: ACMG Guidelines, 2015. Collection method: clinical testing. Allele origin: germline. Affected: no.

Genome-Nilou Lab
Classification: Benign for Migraine, familial hemiplegic, 2. Last evaluated: 2021-12-05. Review status: criteria provided, single submitter. Criteria: ACMG Guidelines, 2015. Collection method: clinical testing. Allele origin: germline. Affected: no.

GeneDx
Classification: Benign. Last evaluated: 2021-05-10. Review status: criteria provided, single submitter. Criteria: GeneDx Variant Classification Process June 2021. Collection method: clinical testing. Allele origin: germline. Affected: yes.

Illumina Laboratory Services, Illumina
Classification: Benign for Migraine, familial hemiplegic, 2. Last evaluated: 2018-01-13. Review status: criteria provided, single submitter. Criteria: ICSL Variant Classification Criteria 13 December 2019. Collection method: clinical testing. Allele origin: germline.
Comment: This variant was observed in the ICSL laboratory as part of a predisposition screen in an ostensibly healthy population. It had not been previously curated by ICSL or reported in the Human Gene Mutation Database (HGMD: prior to June 1st, 2018), and was therefore a candidate for classification through an automated scoring system. Utilizing variant allele frequency, disease prevalence and penetrance estimates, and inheritance mode, an automated score was calculated to assess if this variant is too frequent to cause the disease. Based on the score and internal cut-off values, a variant classified as benign is not then subjected to further curation. The score for this variant resulted in a classification of benign for this disease.

Illumina Laboratory Services, Illumina
Classification: Benign for Alternating hemiplegia of childhood 1. Last evaluated: 2018-01-13. Review status: criteria provided, single submitter. Criteria: ICSL Variant Classification Criteria 13 December 2019. Collection method: clinical testing. Allele origin: germline.
Comment: the same text as in the submission from Illumina Laboratory Services, Illumina above.

Breakthrough Genomics
Classification: Benign. Review status: criteria provided, single submitter. Criteria: ACMG Guidelines, 2015. Collection method: not provided. Allele origin: germline. Inheritance: Autosomal recessive inheritance. Affected: yes.

NM_000702.4(ATP1A2):c.*1026A>G

Gene: ATP1A2 (ATPase Na+/K+ transporting subunit alpha 2; plus strand). Cytogenetic location: 1q23.2.
Variant type: single nucleotide variant.
Coding change: c.*1026A>G on transcript NM_000702.4 (MANE Select); 1026 bases downstream of the stop codon, A replaced by G.
Molecular consequence: 3 prime UTR variant.
Genome position (GRCh38, 1-based): chr1:160,142,348, A>G. VCF-style: chr1-160142348-A-G. GRCh37 (hg19) VCF-style: chr1-160112138-A-G.
Identifiers: ClinVar variation 293160 (VCV000293160.8), dbSNP rs2070704, ClinGen allele CA10608481.
Genomic context (GRCh38, chr1:160,142,348, plus strand): 5'-CCAGCCTCTTCCATTCCCTTTCTTTTCATGCCCATCCCGATGAACCTGCATCATTCCCCG[A>G]CACTGCCAAGCCAACCCTGGAAAAGGAGTTCGCTGGCCATTGGCTAGAATCAGGGTGGAG-3'